The following is an entry in ClinVar:

ClinVar aggregate classification (germline): Uncertain significance. Review status: criteria provided, multiple submitters, no conflicts (2 of 4 stars). 4 submissions from 4 submitters: Uncertain significance (2). 2 of the submissions do not count toward it. Last evaluated 2024-10-23.

Conditions:
Retinal dystrophy. Also called: Inherited retinal dystrophy. Identifiers: Orphanet 71862, MedGen C0854723, MeSH D058499, MONDO:0019118, HP:0000556.
Neuronal ceroid lipofuscinosis 7 (CLN7). Also called: MFSD8-Related Neuronal Ceroid-Lipofuscinosis. Identifiers: Orphanet 168491, Orphanet 228366, MedGen C1838571, MONDO:0012588, OMIM 610951.
Late-infantile neuronal ceroid lipofuscinosis. Also called: Jansky-Bielschowsky disease. Identifiers: MedGen C0022340, MONDO:0015674.

Allele frequency attached by ClinVar (database versions not stated): TOPMed below 0.00001; ExAC 0.00001; gnomAD 0.00001; gnomAD exomes 0.00001.
gnomAD v4.1: 21 of 1,605,514 alleles (0.0013%); highest among the groups gnomAD compares: East Asian, 0.0022%; no homozygotes.

Submissions (4):

Labcorp Genetics (formerly Invitae), Labcorp
Classification: Uncertain significance for Neuronal ceroid lipofuscinosis 7. Last evaluated: 2024-10-23. Review status: criteria provided, single submitter. Criteria: Invitae Variant Classification Sherloc (09022015). Collection method: clinical testing. Allele origin: germline.
Comment: This sequence change replaces arginine, which is basic and polar, with cysteine, which is neutral and slightly polar, at codon 236 of the MFSD8 protein (p.Arg236Cys). This variant is present in population databases (rs758002981, gnomAD 0.003%). This variant has not been reported in the literature in individuals affected with MFSD8-related conditions. ClinVar contains an entry for this variant (Variation ID: 206154). Invitae Evidence Modeling of protein sequence and biophysical properties (such as structural, functional, and spatial information, amino acid conservation, physicochemical variation, residue mobility, and thermodynamic stability) indicates that this missense variant is not expected to disrupt MFSD8 protein function with a negative predictive value of 80%. Algorithms developed to predict the effect of sequence changes on RNA splicing suggest that this variant may disrupt the consensus splice site. In summary, the available evidence is currently insufficient to determine the role of this variant in disease. Therefore, it has been classified as a Variant of Uncertain Significance.

GeneDx
Classification: Uncertain significance. Last evaluated: 2012-08-29. Review status: criteria provided, single submitter. Criteria: GeneDx Variant Classification (06012015). Collection method: clinical testing. Allele origin: germline. Affected: yes.
Comment: p.Arg236Cys (CGT>TGT):c.706 C>T in exon 8 of the MFSD8 gene (NM_152778.2)The Arg236Cys missense change has not been published as a mutation, nor has it been reported as a benign polymorphism to our knowledge. The NHLBI ESP Exome Variant Project has not identified Arg236Cys in approximately 6500 individuals of European or African American ancestry, indicating that it is not a common benign variant in these populations. Arg236Cys is a non-conservative amino acid substitution as a positively charged Arginine residue is replaced by an uncharged Cysteine residue. Other missense mutations in this region of the MFSD8 protein have been reported. However, Arg236Cys alters a position that is not highly conserved and while some in silico algorithms predict Arg236Cys may be damaging to protein structure/function, another model predicts it is likely not pathogenic. Therefore, based on the current available information, it is unclear whether Arg236Cys is a disease-causing mutation or a rare benign variant. The variant is found in EPILEPSY panel(s).

Institute of Human Genetics, Univ. Regensburg, Univ. Regensburg
Classification: Uncertain significance for Retinal dystrophy. Last evaluated: 2022-01-01. Review status: no assertion criteria provided. Criteria: ACMG Guidelines, 2015. Collection method: clinical testing. Allele origin: germline. Affected: yes. Not counted in ClinVar's aggregate classification.

Natera, Inc.
Classification: Uncertain significance for Late-infantile neuronal ceroid lipofuscinosis. Last evaluated: 2019-11-11. Review status: no assertion criteria provided. Collection method: clinical testing. Allele origin: germline. Not counted in ClinVar's aggregate classification.

NM_001371596.2(MFSD8):c.706C>T (p.Arg236Cys)

Gene: MFSD8 (major facilitator superfamily domain containing 8; minus strand). Cytogenetic location: 4q28.2.
Variant type: single nucleotide variant.
Coding change: c.706C>T on transcript NM_001371596.2 (MANE Select); coding-DNA position 706, C replaced by T.
Protein change: p.Arg236Cys; replaces arginine 236 with cysteine.
Molecular consequence: missense variant. On other transcripts: intron variant (3).
Genome position (GRCh38, 1-based): chr4:127,938,831, G>A on the plus strand (C>T on the coding strand, the complement: MFSD8 is on the minus strand). VCF-style: chr4-127938831-G-A. GRCh37 (hg19) VCF-style: chr4-128859986-G-A.
Other names: p.R236C:CGT>TGT; c.712C>T, p.Arg238Cys (NM_001371592.2); c.592C>T, p.Arg198Cys (NM_001371593.2, NM_001410766.1); c.706C>T, p.Arg236Cys (NM_152778.4, NM_001371591.2); c.304+4921C>T (NM_001410765.1); c.439+4921C>T (NM_001363521.3); c.553+3214C>T (NM_001363520.3); c.559C>T, p.Arg187Cys (NM_001371594.2); and 2 more; short protein forms R236C, R142C, R187C, R191C, R198C, R238C.
Identifiers: ClinVar variation 206154 (VCV000206154.12), dbSNP rs758002981, ClinGen allele CA315971.